The following is an entry in ClinVar:

ClinVar aggregate classification (germline): Uncertain significance (1 of 4 stars; one submission).

Allele frequency attached by ClinVar (database versions not stated): gnomAD 0.00001; TOPMed 0.00001; ExAC 0.00002.

Submission:

CeGaT Center for Human Genetics Tuebingen
Classification: Uncertain significance. Last evaluated: 2024-03-01. Review status: criteria provided, single submitter. Criteria: CeGaT Center For Human Genetics Tuebingen Variant Classification Criteria Version 2. Collection method: clinical testing. Allele origin: germline. Affected: yes. Observed: 2 variant alleles.
Comment: NTNG2: PM1, PM2, PP3

NM_032536.4(NTNG2):c.272C>T (p.Pro91Leu)

Gene: NTNG2 (netrin G2; plus strand). Cytogenetic location: 9q34.13.
Variant type: single nucleotide variant.
Coding change: c.272C>T on transcript NM_032536.4 (MANE Select); coding-DNA position 272, C replaced by T.
Protein change: p.Pro91Leu; replaces proline 91 with leucine.
Molecular consequence: missense variant.
Genome position (GRCh38, 1-based): chr9:132,198,024, C>T. VCF-style: chr9-132198024-C-T. GRCh37 (hg19) VCF-style: chr9-135073411-C-T.
Other names: short protein forms P91L.
Identifiers: ClinVar variation 3067445 (VCV003067445.21), dbSNP rs774292594, ClinGen allele CA5295900.
Genomic context (GRCh38, chr9:132,198,024, plus strand): 5'-AGGAGAATCCCTACCTATGCAGCAACGAGTGTGACGCCTCCAACCCGGACCTGGCCCACC[C>T]GCCCAGGCTCATGTTCGACAAGGAGGAGGAGGGCCTGGCCACCTACTGGCAGAGCATCAC-3'
Protein context (NP_115925.2, residues 81-101): CDASNPDLAH[Pro91Leu]PRLMFDKEEE